The following is an entry in ClinVar:

NM_004036.5(ADCY3):c.2683A>G (p.Met895Val)

Gene: ADCY3 (adenylate cyclase 3; minus strand). Cytogenetic location: 2p23.3.
Variant type: single nucleotide variant.
Coding change: c.2683A>G on transcript NM_004036.5 (MANE Select); coding-DNA position 2683, A replaced by G.
Protein change: p.Met895Val; replaces methionine 895 with valine.
Molecular consequence: missense variant.
Genome position (GRCh38, 1-based): chr2:24,824,431, T>C on the plus strand (A>G on the coding strand, the complement: ADCY3 is on the minus strand). VCF-style: chr2-24824431-T-C. GRCh37 (hg19) VCF-style: chr2-25047300-T-C.
Other names: c.2686A>G, p.Met896Val (NM_001320613.2); c.2749A>G, p.Met917Val (NM_001377128.1); c.2545A>G, p.Met849Val (NM_001377129.1); c.2278A>G, p.Met760Val (NM_001377130.1); c.1960A>G, p.Met654Val (NM_001377131.1); c.2683A>G, p.Met895Val (NM_001377132.1); short protein forms M917V, M760V, M896V, M895V, M654V, M849V.
Identifiers: ClinVar variation 4990938 (VCV004990938.1).
Genomic context (GRCh38, chr2:24,824,431, plus strand): 5'-CCCTCACCTCATCTCTCTTCTTGGACCCCAGGAAATGGCGTGCCACGTGCTCAGGCAACA[T>C]GTTGGTGACCAAGGCCTCGTTCCAGCGTCGCATCTCATAGACACGTTCCTTCTGGTCGTG-3'
Protein context (NP_004027.2, residues 885-905): RRWNEALVTN[Met895Val]LPEHVARHFL

ClinVar aggregate classification (germline): Uncertain significance (1 of 4 stars; one submission).

Conditions:
ADCY3-related disorder. Also called: ADCY3-related condition.

gnomAD v4.1: 1 of 1,614,236 alleles (0.000062%); highest among the groups gnomAD compares: Non-Finnish European, 0.000085%; no homozygotes.

Submission:

PreventionGenetics, part of Exact Sciences
Classification: Uncertain significance for ADCY3-related condition. Last evaluated: 2025-10-22. Review status: criteria provided, single submitter. Criteria: ACMG Guidelines, 2015. Collection method: clinical testing. Allele origin: germline.
Comment: The ADCY3 c.2686A>G variant is predicted to result in the amino acid substitution p.Met896Val. To our knowledge, this variant has not been reported in the literature or in a large population database (gnomAD), indicating this variant is rare. At this time, the clinical significance of this variant is uncertain due to the absence of conclusive functional and genetic evidence.